The following is an entry in ClinVar:

ClinVar aggregate classification (germline): Uncertain significance (1 of 4 stars; one submission).

Conditions:
Hereditary cancer-predisposing syndrome. Also called: Neoplastic Syndromes, Hereditary; Tumor predisposition; Hereditary Cancer Syndrome; Hereditary neoplastic syndrome. Identifiers: Orphanet 140162, MedGen C0027672, MeSH D009386, MONDO:0015356.

Submission:

Ambry Genetics
Classification: Uncertain significance for Hereditary cancer-predisposing syndrome. Last evaluated: 2022-03-14. Review status: criteria provided, single submitter. Criteria: Ambry Variant Classification Scheme 2023. Collection method: clinical testing. Allele origin: germline.
Comment: The p.T119I variant (also known as c.356C>T), located in coding exon 3 of the BRCA2 gene, results from a C to T substitution at nucleotide position 356. The threonine at codon 119 is replaced by isoleucine, an amino acid with similar properties. This amino acid position is not well conserved in available vertebrate species. In addition, this alteration is predicted to be tolerated by in silico analysis. Since supporting evidence is limited at this time, the clinical significance of this alteration remains unclear.

NM_000059.4(BRCA2):c.356C>T (p.Thr119Ile)

Gene: BRCA2 (BRCA2 DNA repair associated; plus strand). Cytogenetic location: 13q13.1.
Variant type: single nucleotide variant.
Coding change: c.356C>T on transcript NM_000059.4 (MANE Select); coding-DNA position 356, C replaced by T.
Protein change: p.Thr119Ile; replaces threonine 119 with isoleucine.
Molecular consequence: missense variant.
Genome position (GRCh38, 1-based): chr13:32,325,115, C>T. VCF-style: chr13-32325115-C-T. GRCh37 (hg19) VCF-style: chr13-32899252-C-T.
Other names: c.356C>T, p.Thr119Ile (NM_001406719.1, NM_001406720.1, NM_001406721.1); c.-14C>T (NM_001406722.1); short protein forms T119I.
Identifiers: ClinVar variation 1732778 (VCV001732778.2), dbSNP rs1566218152, ClinGen allele CA387756601.